The following is an entry in ClinVar:

ClinVar aggregate classification (germline): Uncertain significance (1 of 4 stars; one submission).

Conditions:
Encephalopathy, acute, infection-induced (herpes-specific), susceptibility to, 6. Also called: Herpes simplex encephalitis, susceptibility to, 4. Identifiers: Orphanet 1930, MedGen C3553869, MONDO:0013921, OMIM 614850.

Allele frequency attached by ClinVar (database versions not stated): TOPMed 0.00002; gnomAD exomes 0.00006 and 0.00015; gnomAD 0.00005; 1000 Genomes Project 0.00060; 1000 Genomes Project 30x 0.00062; ExAC 0.00016.

Submission:

Labcorp Genetics (formerly Invitae), Labcorp
Classification: Uncertain significance for Encephalopathy, acute, infection-induced (herpes-specific), susceptibility to, 6. Last evaluated: 2022-06-27. Review status: criteria provided, single submitter. Criteria: Invitae Variant Classification Sherloc (09022015). Collection method: clinical testing. Allele origin: germline.
Comment: In summary, the available evidence is currently insufficient to determine the role of this variant in disease. Therefore, it has been classified as a Variant of Uncertain Significance. Algorithms developed to predict the effect of missense changes on protein structure and function are either unavailable or do not agree on the potential impact of this missense change (SIFT: "Deleterious"; PolyPhen-2: "Benign"; Align-GVGD: "Class C0"). This variant has not been reported in the literature in individuals affected with TICAM1-related conditions. This variant is present in population databases (rs543684306, gnomAD 0.1%). This sequence change replaces aspartic acid, which is acidic and polar, with asparagine, which is neutral and polar, at codon 514 of the TICAM1 protein (p.Asp514Asn).

NM_182919.4(TICAM1):c.1540G>A (p.Asp514Asn)

Gene: TICAM1 (TIR domain containing adaptor molecule 1; minus strand). Cytogenetic location: 19p13.3.
Variant type: single nucleotide variant.
Coding change: c.1540G>A on transcript NM_182919.4 (MANE Select); coding-DNA position 1540, G replaced by A.
Protein change: p.Asp514Asn; replaces aspartic acid 514 with asparagine.
Molecular consequence: missense variant.
Genome position (GRCh38, 1-based): chr19:4,816,838, C>T on the plus strand (G>A on the coding strand, the complement: TICAM1 is on the minus strand). VCF-style: chr19-4816838-C-T. GRCh37 (hg19) VCF-style: chr19-4816850-C-T.
Other names: c.1498G>A, p.Asp500Asn (NM_001385678.1); c.1405G>A, p.Asp469Asn (NM_001385679.1); c.898G>A, p.Asp300Asn (NM_001385680.1); short protein forms D300N, D500N, D469N, D514N.
Identifiers: ClinVar variation 1507012 (VCV001507012.4), dbSNP rs543684306, ClinGen allele CA9105113.